The following is an entry in ClinVar:

ClinVar aggregate classification (germline): Uncertain significance (1 of 4 stars; one submission).

Conditions:
Inborn genetic diseases. Identifiers: MedGen C0950123, MeSH D030342.

Submission:

Ambry Genetics
Classification: Uncertain significance for Inborn genetic diseases. Last evaluated: 2026-04-24. Review status: criteria provided, single submitter. Criteria: Ambry Variant Classification Scheme 2023. Collection method: clinical testing. Allele origin: germline.
Comment: The p.C89F variant (also known as c.266G>T), located in coding exon 1 of the FANCM gene, results from a G to T substitution at nucleotide position 266. The cysteine at codon 89 is replaced by phenylalanine, an amino acid with highly dissimilar properties. This amino acid position is conserved. In addition, this alteration is predicted to be tolerated by in silico analysis. Based on the available evidence, the clinical significance of this variant remains unclear.

NM_020937.4(FANCM):c.266G>T (p.Cys89Phe)

Gene: FANCM (FA complementation group M; plus strand). Cytogenetic location: 14q21.2.
Variant type: single nucleotide variant.
Coding change: c.266G>T on transcript NM_020937.4 (MANE Select); coding-DNA position 266, G replaced by T.
Protein change: p.Cys89Phe; replaces cysteine 89 with phenylalanine.
Molecular consequence: missense variant.
Genome position (GRCh38, 1-based): chr14:45,136,297, G>T. VCF-style: chr14-45136297-G-T. GRCh37 (hg19) VCF-style: chr14-45605500-G-T.
Other names: c.266G>T, p.Cys89Phe (NM_001308133.2, NM_001308134.2); short protein forms C89F.
Identifiers: ClinVar variation 4871098 (VCV004871098.1).
Genomic context (GRCh38, chr14:45,136,297, plus strand): 5'-GTCTAGAGAATGGCGGGTTCTGCACCTCCGCGGGCGCCCTGTGGATTTACCCTACCAATT[G>T]CCCAGTGCGGGACTACCAGCTGCACATTTCCCGGGCTGCTCTGTTTTGCAATACGCTGGT-3'
Protein context (NP_065988.1, residues 79-99): AGALWIYPTN[Cys89Phe]PVRDYQLHIS